The following is an entry in ClinVar:

ClinVar aggregate classification (germline): Conflicting classifications of pathogenicity. Review status: criteria provided, conflicting classifications (1 of 4 stars). 4 submissions from 4 submitters: Uncertain significance (1); Likely benign (3). Last evaluated 2025-04-24.

Conditions:
PCNT-related disorder. Also called: PCNT-related condition.
Microcephalic osteodysplastic primordial dwarfism type II (MOPD2). Also called: OSTEODYSPLASTIC PRIMORDIAL DWARFISM, TYPE II; Microcephalic osteodysplastic primordial dwarfism with tooth abnormalities; MOPD II. Identifiers: Orphanet 2637, MedGen C0432246, MONDO:0008872, OMIM 210720.

Allele frequency attached by ClinVar (database versions not stated): gnomAD 0.00001 and 0.00002; ExAC 0.00004; ESP Exome Variant Server 0.00008; gnomAD exomes 0.00008; TOPMed 0.00010.
gnomAD v4.1: 37 of 1,612,024 alleles (0.0023%); highest among the groups gnomAD compares: East Asian, 0.045%; no homozygotes.

Submissions (4):

PreventionGenetics, part of Exact Sciences
Classification: Likely benign for PCNT-related condition. Last evaluated: 2025-04-24. Review status: criteria provided, single submitter. Criteria: ACMG Guidelines, 2015. Collection method: clinical testing. Allele origin: germline.
Comment: This variant is classified as likely benign based on ACMG/AMP sequence variant interpretation guidelines (Richards et al. 2015 PMID: 25741868, with internal and published modifications).

Labcorp Genetics (formerly Invitae), Labcorp
Classification: Likely benign. Last evaluated: 2025-03-20. Review status: criteria provided, single submitter. Criteria: Invitae Variant Classification Sherloc (09022015). Collection method: clinical testing. Allele origin: germline.

Illumina Laboratory Services, Illumina
Classification: Uncertain significance for Microcephalic osteodysplastic primordial dwarfism type II. Last evaluated: 2018-01-13. Review status: criteria provided, single submitter. Criteria: ICSL Variant Classification Criteria 13 December 2019. Collection method: clinical testing. Allele origin: germline.

Genetic Services Laboratory, University of Chicago
Classification: Likely benign. Last evaluated: 2016-12-18. Review status: criteria provided, single submitter. Criteria: ACMG Guidelines, 2015. Collection method: clinical testing. Allele origin: germline. Affected: no.

NM_006031.6(PCNT):c.7593G>A (p.Thr2531=)

Gene: PCNT (pericentrin; plus strand). Cytogenetic location: 21q22.3.
Variant type: single nucleotide variant.
Coding change: c.7593G>A on transcript NM_006031.6 (MANE Select); coding-DNA position 7593, G replaced by A.
Protein change: p.Thr2531=; no amino-acid change (threonine 2531 retained).
Molecular consequence: synonymous variant.
Genome position (GRCh38, 1-based): chr21:46,428,493, G>A. VCF-style: chr21-46428493-G-A. GRCh37 (hg19) VCF-style: chr21-47848407-G-A.
Other names: c.7239G>A, p.Thr2413= (NM_001315529.2).
Identifiers: ClinVar variation 436219 (VCV000436219.17), dbSNP rs372531708, ClinGen allele CA10080722.